The following is an entry in ClinVar:

ClinVar aggregate classification (germline): Conflicting classifications of pathogenicity. Review status: criteria provided, conflicting classifications (1 of 4 stars). 2 submissions from 2 submitters: Uncertain significance (1); Likely benign (1). Last evaluated 2024-03-04.

Allele frequency attached by ClinVar (database versions not stated): TOPMed 0.00003; gnomAD 0.00006; gnomAD exomes 0.00007; ExAC 0.00008; ESP Exome Variant Server 0.00008.
gnomAD v4.1: 107 of 1,609,276 alleles (0.0066%); highest among the groups gnomAD compares: Non-Finnish European, 0.008%; no homozygotes.

Submissions (2):

Ambry Genetics
Classification: Likely benign. Last evaluated: 2024-03-04. Review status: criteria provided, single submitter. Criteria: Ambry Variant Classification Scheme 2023. Collection method: clinical testing. Allele origin: germline.

Labcorp Genetics (formerly Invitae), Labcorp
Classification: Uncertain significance. Last evaluated: 2022-09-01. Review status: criteria provided, single submitter. Criteria: Invitae Variant Classification Sherloc (09022015). Collection method: clinical testing. Allele origin: germline.
Comment: In summary, the available evidence is currently insufficient to determine the role of this variant in disease. Therefore, it has been classified as a Variant of Uncertain Significance. Algorithms developed to predict the effect of missense changes on protein structure and function output the following: SIFT: "Tolerated"; PolyPhen-2: "Benign"; Align-GVGD: "Class C0". The serine amino acid residue is found in multiple mammalian species, which suggests that this missense change does not adversely affect protein function. This variant has not been reported in the literature in individuals affected with TNK2-related conditions. This variant is present in population databases (rs376649198, gnomAD 0.01%). This sequence change replaces glycine, which is neutral and non-polar, with serine, which is neutral and polar, at codon 62 of the TNK2 protein (p.Gly62Ser).

NM_001382273.1(TNK2):c.-6G>A

Gene: TNK2 (tyrosine kinase non receptor 2; minus strand). Cytogenetic location: 3q29.
Variant type: single nucleotide variant.
Coding change: c.-6G>A on transcript NM_001382273.1 (MANE Select); 6 bases upstream of the start codon, G replaced by A.
Molecular consequence: 5 prime UTR variant. On other transcripts: missense variant (8), non-coding transcript variant (15).
Genome position (GRCh38, 1-based): chr3:195,888,594, C>T on the plus strand (G>A on the coding strand, the complement: TNK2 is on the minus strand). VCF-style: chr3-195888594-C-T. GRCh37 (hg19) VCF-style: chr3-195615465-C-T.
Other names: c.67G>A, p.Gly23Ser (NM_001010938.2, NM_001382272.1, NM_001387708.1 and 1 more transcripts); c.91G>A, p.Gly31Ser (NM_001308046.2, NM_001382271.1, NM_001382275.1 and 1 more transcripts); c.-6G>A (NM_001382274.1, NM_001386164.1, NM_001387709.1 and 12 more transcripts); c.184G>A (NM_001010938.1); short protein forms G31S, G23S.
Identifiers: ClinVar variation 2055781 (VCV002055781.5), dbSNP rs376649198, ClinGen allele CA2777042.